The following is an entry in ClinVar:

NM_025243.4(SLC19A3):c.*1974G>T

Gene: SLC19A3 (solute carrier family 19 member 3; minus strand). Cytogenetic location: 2q36.3.
Variant type: single nucleotide variant.
Coding change: c.*1974G>T on transcript NM_025243.4 (MANE Select); 1974 bases downstream of the stop codon, G replaced by T.
Molecular consequence: 3 prime UTR variant.
Genome position (GRCh38, 1-based): chr2:227,685,423, C>A on the plus strand (G>T on the coding strand, the complement: SLC19A3 is on the minus strand). VCF-style: chr2-227685423-C-A. GRCh37 (hg19) VCF-style: chr2-228550139-C-A.
Identifiers: ClinVar variation 334838 (VCV000334838.6), dbSNP rs1134282, ClinGen allele CA10612700.
Genomic context (GRCh38, chr2:227,685,423, plus strand): 5'-GTGGGGAGGTGCTACACACTTTTAAACTACCAGATCTCACGATAACTCACTGTCATGAGA[C>A]CAGCACTGAGGGGACGGTGCCAAACCATTCATGAAGGCTTCACACCCATGATCCAGTCGC-3'

ClinVar aggregate classification (germline): Benign. Review status: criteria provided, multiple submitters, no conflicts (2 of 4 stars). 2 submissions from 2 submitters: Benign (2). Last evaluated 2018-01-13.

Conditions:
Biotin-responsive basal ganglia disease (BTBGD). Also called: Thiamine Transporter-2 Deficiency; THIAMINE METABOLISM DYSFUNCTION SYNDROME 2 (BIOTIN- AND THIAMINE-RESPONSIVE TYPE); Thiamine metabolism dysfunction syndrome type 2; Thiamine metabolism dysfunction syndrome 2 (biotin- or thiamine-responsive encephalopathy type 2); thiamine-responsive encephalopathy. Identifiers: Orphanet 199348, Orphanet 65284, MedGen C1843807, MONDO:0011841, OMIM 607483.

Allele frequency attached by ClinVar (database versions not stated): gnomAD 0.07453 and 0.07946; TOPMed 0.08323; 1000 Genomes Project 0.08446; 1000 Genomes Project 30x 0.09541.

Submissions (2):

Illumina Laboratory Services, Illumina
Classification: Benign for Biotin-responsive basal ganglia disease. Last evaluated: 2018-01-13. Review status: criteria provided, single submitter. Criteria: ICSL Variant Classification Criteria 13 December 2019. Collection method: clinical testing. Allele origin: germline.
Comment: This variant was observed in the ICSL laboratory as part of a predisposition screen in an ostensibly healthy population. It had not been previously curated by ICSL or reported in the Human Gene Mutation Database (HGMD: prior to June 1st, 2018), and was therefore a candidate for classification through an automated scoring system. Utilizing variant allele frequency, disease prevalence and penetrance estimates, and inheritance mode, an automated score was calculated to assess if this variant is too frequent to cause the disease. Based on the score and internal cut-off values, a variant classified as benign is not then subjected to further curation. The score for this variant resulted in a classification of benign for this disease.

Breakthrough Genomics
Classification: Benign. Review status: criteria provided, single submitter. Criteria: ACMG Guidelines, 2015. Collection method: not provided. Allele origin: germline. Inheritance: Autosomal recessive inheritance. Affected: yes.